The following is an entry in ClinVar:

ClinVar aggregate classification (germline): Pathogenic. Review status: reviewed by expert panel (3 of 4 stars). 5 submissions from 5 submitters: Pathogenic (1). 4 of the submissions do not count toward it. Last evaluated 2016-10-18.

Conditions:
Hereditary cancer-predisposing syndrome. Also called: Hereditary neoplastic syndrome; Neoplastic Syndromes, Hereditary; Tumor predisposition; Hereditary Cancer Syndrome. Identifiers: Orphanet 140162, MedGen C0027672, MeSH D009386, MONDO:0015356.
Breast-ovarian cancer, familial, susceptibility to, 2 (BROVCA2). Also called: BRCA2 Hereditary Breast and Ovarian Cancer. Identifiers: Orphanet 145, MedGen C2675520, MONDO:0012933, OMIM 612555. Disease mechanism: loss of function.
Hereditary breast ovarian cancer syndrome. Also called: BRCA1- and BRCA2-Associated Hereditary Breast and Ovarian Cancer; Hereditary breast and ovarian cancer; Breast and ovarian cancer; Hereditary breast and/or ovarian cancer syndrome; Hereditary breast and ovarian cancer syndrome; Hereditary breast and ovarian cancer syndrome (HBOC). Identifiers: Orphanet 145, MedGen C0677776, MeSH D061325, MONDO:0003582. Disease mechanism: loss of function.
Breast carcinoma. Also called: Carcinoma of breast. Identifiers: MedGen C0678222, MONDO:0004989, HP:0003002.

Submissions (5):

Evidence-based Network for the Interpretation of Germline Mutant Alleles (ENIGMA)
Classification: Pathogenic for Breast-ovarian cancer, familial, susceptibility to, 2. Last evaluated: 2016-10-18. Review status: reviewed by expert panel. Criteria: ENIGMA BRCA1/2 Classification Criteria (2015). Collection method: curation. Allele origin: germline.
Comment: Variant allele predicted to encode a truncated non-functional protein.

Labcorp Genetics (formerly Invitae), Labcorp
Classification: Pathogenic for Hereditary breast ovarian cancer syndrome. Last evaluated: 2025-11-17. Review status: criteria provided, single submitter. Criteria: Invitae Variant Classification Sherloc (09022015). Collection method: clinical testing. Allele origin: germline. Not counted in ClinVar's aggregate classification.
Comment: This sequence change creates a premature translational stop signal (p.Gln2160*) in the BRCA2 gene. It is expected to result in an absent or disrupted protein product. Loss-of-function variants in BRCA2 are known to be pathogenic (PMID: 20104584). This variant is not present in population databases (gnomAD no frequency). This premature translational stop signal has been observed in individual(s) with breast cancer (PMID: 28724667). ClinVar contains an entry for this variant (Variation ID: 266950). For these reasons, this variant has been classified as Pathogenic.

Ambry Genetics
Classification: Pathogenic for Hereditary cancer-predisposing syndrome. Last evaluated: 2017-01-23. Review status: criteria provided, single submitter. Criteria: Ambry Variant Classification Scheme 2023. Collection method: clinical testing. Allele origin: germline. Not counted in ClinVar's aggregate classification.
Comment: The p.Q2160* pathogenic mutation (also known as c.6478C>T), located in coding exon 10 of the BRCA2 gene, results from a C to T substitution at nucleotide position 6478. This changes the amino acid from a glutamine to a stop codon within coding exon 10. This alteration is expected to result in loss of function by premature protein truncation or nonsense-mediated mRNA decay. As such, this alteration is interpreted as a disease-causing mutation.

Consortium of Investigators of Modifiers of BRCA1/2 (CIMBA), c/o University of Cambridge
Classification: Pathogenic for Breast-ovarian cancer, familial, susceptibility to, 2. Last evaluated: 2015-10-02. Review status: criteria provided, single submitter. Criteria: CIMBA Mutation Classification guidelines May 2016. Collection method: clinical testing. Allele origin: germline. Not counted in ClinVar's aggregate classification.

Medical Genetics Laboratory, Umraniye Training and Research Hospital, University of Health Sciences
Classification: Pathogenic for Breast carcinoma. Last evaluated: 2021-08-08. Review status: no assertion criteria provided. Collection method: clinical testing. Allele origin: germline. Inheritance: Autosomal dominant inheritance. Affected: yes. Observed: 1 variant allele, 1 heterozygote. Not counted in ClinVar's aggregate classification.

Literature cited by the submitters: PubMed 20104584 (cited by Labcorp Genetics (formerly Invitae), Labcorp); PubMed 28724667 (cited by Labcorp Genetics (formerly Invitae), Labcorp).

NM_000059.4(BRCA2):c.6478C>T (p.Gln2160Ter)

Gene: BRCA2 (BRCA2 DNA repair associated; plus strand). Cytogenetic location: 13q13.1.
Variant type: single nucleotide variant.
Coding change: c.6478C>T on transcript NM_000059.4 (MANE Select); coding-DNA position 6478, C replaced by T.
Protein change: p.Gln2160Ter; replaces glutamine 2160 with a stop codon.
Molecular consequence: nonsense.
Genome position (GRCh38, 1-based): chr13:32,340,833, C>T. VCF-style: chr13-32340833-C-T. GRCh37 (hg19) VCF-style: chr13-32914970-C-T.
Other names: 6706C>T; short protein forms Q2160*.
Identifiers: ClinVar variation 266950 (VCV000266950.20), dbSNP rs886040658, ClinGen allele CA10589379.
Genomic context (GRCh38, chr13:32,340,833, plus strand): 5'-GGTGGTTCTTCAGAAAATAATCACTCTATTAAAGTTTCTCCATATCTCTCTCAATTTCAA[C>T]AAGACAAACAACAGTTGGTATTAGGAACCAAAGTGTCACTTGTTGAGAACATTCATGTTT-3'